The following is an entry in ClinVar:

NM_001385875.1(ZFYVE27):c.516C>T (p.Arg172=)

Gene: ZFYVE27 (zinc finger FYVE-type containing 27; plus strand). Cytogenetic location: 10q24.2.
Variant type: single nucleotide variant.
Coding change: c.516C>T on transcript NM_001385875.1 (MANE Select); coding-DNA position 516, C replaced by T.
Protein change: p.Arg172=; no amino-acid change (arginine 172 retained).
Molecular consequence: synonymous variant. On other transcripts: non-coding transcript variant (13), intron variant (6).
Genome position (GRCh38, 1-based): chr10:97,748,329, C>T. VCF-style: chr10-97748329-C-T. GRCh37 (hg19) VCF-style: chr10-99508086-C-T.
Other names: c.516C>T, p.Arg172= (NM_001002261.4, NM_001385878.1, NM_001385879.1 and 8 more transcripts); c.420C>T, p.Arg140= (NM_001385887.1, NM_001385888.1, NM_001174119.2 and 1 more transcripts); c.312C>T, p.Arg104= (NM_001385890.1, NM_001385891.1, NM_001385892.1 and 6 more transcripts); c.258C>T, p.Arg86= (NM_001174120.2, NM_001385901.1, NM_001385902.1 and 3 more transcripts); c.222C>T, p.Arg74= (NM_001174121.2, NM_001385915.1); c.555C>T, p.Arg185= (NM_001385876.1); c.480C>T, p.Arg160= (NM_001385881.1); c.279C>T, p.Arg93= (NM_001385899.1, NM_001385900.1, NM_001385903.1 and 2 more transcripts); and 4 more.
Identifiers: ClinVar variation 301834 (VCV000301834.17), dbSNP rs116366646, ClinGen allele CA5635191.

ClinVar aggregate classification (germline): Benign. Review status: criteria provided, multiple submitters, no conflicts (2 of 4 stars). 4 submissions from 4 submitters: Benign (4). Last evaluated 2026-01-19.

Conditions:
Spastic paraplegia. Identifiers: MedGen C0037772, HP:0001258.
Hereditary spastic paraplegia 33. Also called: SPASTIC PARAPLEGIA 33, AUTOSOMAL DOMINANT. Identifiers: MedGen C1853251, MONDO:0012448, OMIM 610244.

Allele frequency attached by ClinVar (database versions not stated): gnomAD exomes 0.00147; ExAC 0.00201; gnomAD 0.00569 and 0.00608; ESP Exome Variant Server 0.00654; TOPMed 0.00658; 1000 Genomes Project 30x 0.00765; 1000 Genomes Project 0.00779.
gnomAD v4.1: 1,713 of 1,614,156 alleles (0.11%); highest among the groups gnomAD compares: African/African-American, 2%; 14 homozygotes.

Submissions (4):

Labcorp Genetics (formerly Invitae), Labcorp
Classification: Benign for Spastic paraplegia. Last evaluated: 2026-01-19. Review status: criteria provided, single submitter. Criteria: Invitae Variant Classification Sherloc (09022015). Collection method: clinical testing. Allele origin: germline.

Genome-Nilou Lab
Classification: Benign for Hereditary spastic paraplegia 33. Last evaluated: 2021-12-05. Review status: criteria provided, single submitter. Criteria: ACMG Guidelines, 2015. Collection method: clinical testing. Allele origin: germline. Affected: no.

Illumina Laboratory Services, Illumina
Classification: Benign for Hereditary spastic paraplegia 33. Last evaluated: 2018-01-12. Review status: criteria provided, single submitter. Criteria: ICSL Variant Classification Criteria 13 December 2019. Collection method: clinical testing. Allele origin: germline.
Comment: This variant was observed in the ICSL laboratory as part of a predisposition screen in an ostensibly healthy population. It had not been previously curated by ICSL or reported in the Human Gene Mutation Database (HGMD: prior to June 1st, 2018), and was therefore a candidate for classification through an automated scoring system. Utilizing variant allele frequency, disease prevalence and penetrance estimates, and inheritance mode, an automated score was calculated to assess if this variant is too frequent to cause the disease. Based on the score and internal cut-off values, a variant classified as benign is not then subjected to further curation. The score for this variant resulted in a classification of benign for this disease.

Breakthrough Genomics
Classification: Benign. Review status: criteria provided, single submitter. Criteria: ACMG Guidelines, 2015. Collection method: not provided. Allele origin: germline. Inheritance: Autosomal dominant inheritance. Affected: yes.